The following is an entry in ClinVar:

NM_015072.5(TTLL5):c.3548C>G (p.Pro1183Arg)

Gene: TTLL5 (tubulin tyrosine ligase like 5; plus strand). Cytogenetic location: 14q24.3.
Variant type: single nucleotide variant.
Coding change: c.3548C>G on transcript NM_015072.5 (MANE Select); coding-DNA position 3548, C replaced by G.
Protein change: p.Pro1183Arg; replaces proline 1183 with arginine.
Molecular consequence: missense variant.
Genome position (GRCh38, 1-based): chr14:75,882,710, C>G. VCF-style: chr14-75882710-C-G. GRCh37 (hg19) VCF-style: chr14-76349053-C-G.
Other names: short protein forms P1183R.
Identifiers: ClinVar variation 1713553 (VCV001713553.5), dbSNP rs1301811284, ClinGen allele CA390536639.

ClinVar aggregate classification (germline): Uncertain significance (1 of 4 stars; one submission).

Submission:

Labcorp Genetics (formerly Invitae), Labcorp
Classification: Uncertain significance. Last evaluated: 2022-07-23. Review status: criteria provided, single submitter. Criteria: Invitae Variant Classification Sherloc (09022015). Collection method: clinical testing. Allele origin: germline.
Comment: This sequence change replaces proline, which is neutral and non-polar, with arginine, which is basic and polar, at codon 1183 of the TTLL5 protein (p.Pro1183Arg). This variant is present in population databases (no rsID available, gnomAD 0.0009%). This variant has not been reported in the literature in individuals affected with TTLL5-related conditions. Algorithms developed to predict the effect of missense changes on protein structure and function (SIFT, PolyPhen-2, Align-GVGD) all suggest that this variant is likely to be tolerated. In summary, the available evidence is currently insufficient to determine the role of this variant in disease. Therefore, it has been classified as a Variant of Uncertain Significance.